The following is an entry in ClinVar:

ClinVar aggregate classification (germline): Uncertain significance (1 of 4 stars; one submission).

Conditions:
Immunodeficiency 14 (IMD14A). Also called: IMMUNODEFICIENCY 14A WITH LYMPHOPROLIFERATION, AUTOSOMAL DOMINANT; Activated PI3K Delta Syndrome Type 1 (APDS1); p110-DELTA-ACTIVATING MUTATION CAUSING SENESCENT T CELLS, LYMPHADENOPATHY, AND IMMUNODEFICIENCY; ACTIVATED PI3K-DELTA SYNDROME 1. Identifiers: Orphanet 397596, Orphanet 693661, MedGen C5907821, MONDO:0014222, OMIM 615513.

Allele frequency attached by ClinVar (database versions not stated): gnomAD exomes below 0.00001.
gnomAD v4.1: 5 of 1,613,354 alleles (0.00031%); highest among the groups gnomAD compares: Non-Finnish European, 0.00042%; no homozygotes.

Submission:

Labcorp Genetics (formerly Invitae), Labcorp
Classification: Uncertain significance for Activated PI3K-delta syndrome. Last evaluated: 2023-12-18. Review status: criteria provided, single submitter. Criteria: Invitae Variant Classification Sherloc (09022015). Collection method: clinical testing. Allele origin: germline.
Comment: This sequence change replaces arginine, which is basic and polar, with tryptophan, which is neutral and slightly polar, at codon 785 of the PIK3CD protein (p.Arg785Trp). This variant is not present in population databases (gnomAD no frequency). This variant has not been reported in the literature in individuals affected with PIK3CD-related conditions. ClinVar contains an entry for this variant (Variation ID: 2111502). Advanced modeling of protein sequence and biophysical properties (such as structural, functional, and spatial information, amino acid conservation, physicochemical variation, residue mobility, and thermodynamic stability) performed at Invitae indicates that this missense variant is expected to disrupt PIK3CD protein function with a positive predictive value of 80%. In summary, the available evidence is currently insufficient to determine the role of this variant in disease. Therefore, it has been classified as a Variant of Uncertain Significance.

NM_005026.5(PIK3CD):c.2353C>T (p.Arg785Trp)

Gene: PIK3CD (phosphatidylinositol-4,5-bisphosphate 3-kinase catalytic subunit delta; plus strand). Cytogenetic location: 1p36.22.
Variant type: single nucleotide variant.
Coding change: c.2353C>T on transcript NM_005026.5 (MANE Select); coding-DNA position 2353, C replaced by T.
Protein change: p.Arg785Trp; replaces arginine 785 with tryptophan.
Molecular consequence: missense variant.
Genome position (GRCh38, 1-based): chr1:9,722,533, C>T. VCF-style: chr1-9722533-C-T. GRCh37 (hg19) VCF-style: chr1-9782591-C-T.
Other names: c.2350C>T, p.Arg784Trp (NM_001350234.2); c.2266C>T, p.Arg756Trp (NM_001350235.1); short protein forms R756W, R784W, R785W.
Identifiers: ClinVar variation 2111502 (VCV002111502.4), dbSNP rs2525105091, ClinGen allele CA338305743.